The following is an entry in ClinVar:

ClinVar aggregate classification (germline): Uncertain significance. Review status: criteria provided, multiple submitters, no conflicts (2 of 4 stars). 5 submissions from 5 submitters: Uncertain significance (4). 1 of the submissions does not count toward it. Last evaluated 2025-12-20.

Conditions:
Familial melanoma. Also called: Hereditary melanoma; Hereditary cutaneous melanoma. Identifiers: Orphanet 618, MedGen C1512419, MONDO:0018961.
Melanoma-pancreatic cancer syndrome. Identifiers: Orphanet 404560, MedGen C1838547, MONDO:0011713, OMIM 606719. Disease mechanism: loss of function.
Hereditary cancer-predisposing syndrome. Also called: Hereditary neoplastic syndrome; Neoplastic Syndromes, Hereditary; Hereditary Cancer Syndrome; Tumor predisposition. Identifiers: Orphanet 140162, MedGen C0027672, MeSH D009386, MONDO:0015356.

Allele frequency attached by ClinVar (database versions not stated): gnomAD 0.00001.
gnomAD v4.1: 4 of 1,605,208 alleles (0.00025%); highest among the groups gnomAD compares: African/African-American, 0.004%; no homozygotes.

Submissions (5):

Labcorp Genetics (formerly Invitae), Labcorp
Classification: Uncertain significance for Familial melanoma. Last evaluated: 2025-12-20. Review status: criteria provided, single submitter. Criteria: Invitae Variant Classification Sherloc (09022015). Collection method: clinical testing. Allele origin: germline.
Comment: The CDKN2A gene encodes two different proteins, p16INK4a and p14ARF, which are translated from alternative transcripts with different open reading frames. Both transcripts have been analyzed. We report either the variant with the higher classification or default to the CDKN2A (p16INK4a) variant. This report therefore includes the details for the CDKN2A (p16INK4a) variant. This sequence change replaces glycine, which is neutral and non-polar, with arginine, which is basic and polar, at codon 101 of the CDKN2A (p16INK4a) protein (p.Gly101Arg). The frequency data for this variant in the population databases is considered unreliable, as metrics indicate poor data quality at this position in the gnomAD database. This missense change has been observed in individual(s) with melanoma and pancreatic cancer (PMID: 21801156, 25356972). This variant is also known as c.344G>A (p.Arg115Gln) in the CDKN2A (p14ARF) transcript. ClinVar contains an entry for this variant (Variation ID: 463494). An algorithm developed to predict the effect of missense changes on protein structure and function (PolyPhen-2) suggests that this variant is likely to be disruptive. Experimental studies have shown that this missense change does not substantially affect CDKN2A (p16INK4a) function (PMID: 12606942, 21462282, 35001868). This variant disrupts the p.Gly101 amino acid residue in CDKN2A (p16INK4a). Other variant(s) that disrupt this residue have been determined to be pathogenic (PMID: 10869234, 11807902, 14679123, 15146471, 21462282, 21801156). This suggests that this residue is clinically significant, and that variants that disrupt this residue are likely to be disease-causing. In summary, the available evidence is currently insufficient to determine the role of this variant in disease. Therefore, it has been classified as a Variant of Uncertain Significance.

Color Diagnostics, LLC DBA Color Health
Classification: Uncertain significance for Hereditary cancer-predisposing syndrome. Last evaluated: 2025-11-04. Review status: criteria provided, single submitter. Criteria: ACMG Guidelines, 2015. Collection method: clinical testing. Allele origin: germline.
Comment: The CDKN2A locus encodes two different gene products, p16INK4a and p14ARF. This variant is located in the CDKN2A (p16INK4A) protein. Experimental studies have reported that this variant does not impact function (PMID: 12606942, 21462282, 35001868). This variant has been reported in individuals with a personal and family history of pancreatic cancer (PMID: 25356972) and melanoma (PMID: 21801156, 26681309, 26775776). This variant has been identified in 4/1605208 chromosomes in the general population by the Genome Aggregation Database (gnomAD). A different variant occurring at the same codon, p.Gly101Trp, is a well documented pathogenic mutation (ClinVar Variation ID: 9412), indicating that glycine at this position is important for CDKN2A protein function. Although there is suspicion that this variant, p.Gly101Arg, may be associated with disease, additional studies are necessary to determine the role of this variant in disease conclusively. Therefore, this variant is classified as a Variant of Uncertain Significance.

Ambry Genetics
Classification: Uncertain significance for Hereditary cancer-predisposing syndrome. Last evaluated: 2024-12-06. Review status: criteria provided, single submitter. Criteria: Ambry Variant Classification Scheme 2023. Collection method: clinical testing. Allele origin: germline.
Comment: The p.G101R variant (also known as c.301G>A), located in coding exon 2 of the CDKN2A gene, results from a G to A substitution at nucleotide position 301. The glycine at codon 101 is replaced by arginine, an amino acid with dissimilar properties. Of note, this alteration is also known as c.344G>A (p.G115R)in the p14(ARF) isoform. This variant has been reported in individuals with a personal and/or family history of melanoma or pancreatic cancer (Potrony M et al. J. Am. Acad. Dermatol., 2014 Nov;71:888-95; Zhen DB et al. Genet Med, 2015 Jul;17:569-77; Bruno W et al. J Am Acad Dermatol, 2016 Feb;74:325-32; Karagianni F et al. Acta Derm. Venereol., 2018 Oct;98:862-866). A functional study reported this variant as neutral based on in-vitro assessment of impact on proliferation in human pancreatic cancer cell lines (Kimura H et al. Elife, 2022 01;11). This amino acid position is well conserved in available vertebrate species. In addition, this alteration is predicted to be deleterious by in silico analysis. Based on the available evidence, the clinical significance of this variant remains unclear.

Myriad Genetics, Inc.
Classification: Uncertain significance for Melanoma-pancreatic cancer syndrome. Last evaluated: 2023-04-20. Review status: criteria provided, single submitter. Criteria: Myriad Autosomal Dominant, Autosomal Recessive and X-Linked Classification Criteria (2023). Collection method: clinical testing. Allele origin: unknown.
Comment: This variant is classified as a variant of uncertain significance as there is insufficient evidence to determine its impact on protein function and/or cancer risk.

Counsyl
Classification: Uncertain significance for Melanoma-pancreatic cancer syndrome. Last evaluated: 2018-02-23. Review status: no assertion criteria provided. Collection method: clinical testing. Allele origin: unknown. Not counted in ClinVar's aggregate classification.

Literature cited by the submitters: PubMed 21801156 (cited by Labcorp Genetics (formerly Invitae), Labcorp and Color Diagnostics, LLC DBA Color Health); PubMed 25356972 (cited by 4 submitters); PubMed 12606942 (cited by 3 submitters); PubMed 21462282 (cited by 3 submitters); PubMed 35001868 (cited by 3 submitters); PubMed 10869234 (cited by Labcorp Genetics (formerly Invitae), Labcorp); PubMed 11807902 (cited by Labcorp Genetics (formerly Invitae), Labcorp); PubMed 14679123 (cited by Labcorp Genetics (formerly Invitae), Labcorp); PubMed 15146471 (cited by Labcorp Genetics (formerly Invitae), Labcorp); PubMed 26681309 (cited by Color Diagnostics, LLC DBA Color Health and Counsyl); PubMed 26775776 (cited by Color Diagnostics, LLC DBA Color Health and Ambry Genetics); PubMed 25064638 (cited by Ambry Genetics); PubMed 29774366 (cited by Ambry Genetics); PubMed 17370310 (cited by Counsyl).

NM_000077.5(CDKN2A):c.301G>A (p.Gly101Arg)

Gene: CDKN2A (cyclin dependent kinase inhibitor 2A; minus strand). Cytogenetic location: 9p21.3.
Variant type: single nucleotide variant.
Coding change: c.301G>A on transcript NM_000077.5; coding-DNA position 301, G replaced by A.
Protein change: p.Gly101Arg; replaces glycine 101 with arginine.
Molecular consequence: missense variant (on NM_000077.6). On other transcripts: 3 prime UTR variant (1).
Genome position (GRCh38, 1-based): chr9:21,971,058, C>T on the plus strand (G>A on the coding strand, the complement: CDKN2A is on the minus strand). VCF-style: chr9-21971058-C-T. GRCh37 (hg19) VCF-style: chr9-21971057-C-T.
Other names: c.301G>A, p.Gly101Arg (NM_000077.6, NM_001195132.2); c.148G>A, p.Gly50Arg (NM_001363763.2); c.344G>A, p.Arg115Gln (NM_058195.4); c.*224G>A (NM_058197.5); short protein forms G101R, R115Q, G50R.
Identifiers: ClinVar variation 463494 (VCV000463494.20), dbSNP rs104894094, ClinGen allele CA373086108.